The following is an entry in ClinVar:

ClinVar aggregate classification (germline): Likely pathogenic. Review status: criteria provided, multiple submitters, no conflicts (2 of 4 stars). 2 submissions from 2 submitters: Likely pathogenic (2). Last evaluated 2024-04-30.

Conditions:
Acute infantile liver failure due to synthesis defect of mtDNA-encoded proteins. Also called: Liver failure acute infantile; LIVER FAILURE, INFANTILE, TRANSIENT; TRMU Deficiency. Identifiers: Orphanet 217371, MedGen C3278664, MONDO:0013111, OMIM 613070.

Allele frequency attached by ClinVar (database versions not stated): gnomAD exomes below 0.00001.
gnomAD v4.1: 1 of 1,614,008 alleles (0.000062%); highest among the groups gnomAD compares: Non-Finnish European, 0.000085%; no homozygotes.

Submissions (2):

Natera, Inc.
Classification: Likely pathogenic for Acute infantile liver failure due to synthesis defect of mtDNA-encoded proteins. Last evaluated: 2024-04-30. Review status: criteria provided, single submitter. Criteria: Natera Variant Classification Schema (03/2026). Collection method: clinical testing. Allele origin: germline.
Comment: The c.1084G>A variant in TRMU is a missense variant predicted to cause substitution of alanine to threonine at amino acid 362. This variant is rare in the general population with a frequency below the threshold expected for the associated phenotype(s). This variant has been observed in one or more individuals affected with the associated recessive disease, as either homozygous or compound heterozygous with a second variant (PMID: 33485800, 37184518). Additionally, this variant has been observed to segregate in affected family members (PMID: 33485800). Computational prediction algorithms indicate this variant is likely to affect gene or protein function. Given the available evidence, this variant is classified as Likely Pathogenic.

Labcorp Genetics (formerly Invitae), Labcorp
Classification: Likely pathogenic. Last evaluated: 2023-12-31. Review status: criteria provided, single submitter. Criteria: Invitae Variant Classification Sherloc (09022015). Collection method: clinical testing. Allele origin: germline.
Comment: This sequence change replaces alanine, which is neutral and non-polar, with threonine, which is neutral and polar, at codon 362 of the TRMU protein (p.Ala362Thr). This variant is present in population databases (no rsID available, gnomAD 0.0009%). This missense change has been observed in individual(s) with TRMU deficiency (PMID: 33485800). In at least one individual the data is consistent with being in trans (on the opposite chromosome) from a pathogenic variant. It has also been observed to segregate with disease in related individuals. Advanced modeling of protein sequence and biophysical properties (such as structural, functional, and spatial information, amino acid conservation, physicochemical variation, residue mobility, and thermodynamic stability) performed at Invitae indicates that this missense variant is expected to disrupt TRMU protein function with a positive predictive value of 80%. In summary, the currently available evidence indicates that the variant is pathogenic, but additional data are needed to prove that conclusively. Therefore, this variant has been classified as Likely Pathogenic.

Literature cited by the submitters: PubMed 33485800 (cited by Natera, Inc. and Labcorp Genetics (formerly Invitae), Labcorp); PubMed 37184518 (cited by Natera, Inc.).

NM_018006.5(TRMU):c.1084G>A (p.Ala362Thr)

Gene: TRMU (tRNA mitochondrial 2-thiouridylase; plus strand). Cytogenetic location: 22q13.31.
Variant type: single nucleotide variant.
Coding change: c.1084G>A on transcript NM_018006.5 (MANE Select); coding-DNA position 1084, G replaced by A.
Protein change: p.Ala362Thr; replaces alanine 362 with threonine.
Molecular consequence: missense variant. On other transcripts: non-coding transcript variant (2), intron variant (2).
Genome position (GRCh38, 1-based): chr22:46,356,055, G>A. VCF-style: chr22-46356055-G-A. GRCh37 (hg19) VCF-style: chr22-46751952-G-A.
Other names: c.1018+467G>A (NM_001282785.2); c.598+467G>A (NM_001282784.2); c.*528G>A (NM_001008568.2); c.*622G>A (NM_001008570.2); c.742G>A, p.Ala248Thr (NM_001282782.2); c.664G>A, p.Ala222Thr (NM_001282783.2); c.1084G>A (NM_018006.4); short protein forms A248T, A362T, A222T.
Identifiers: ClinVar variation 3002744 (VCV003002744.4), dbSNP rs1456976925, ClinGen allele CA411916934.